The following is an entry in ClinVar:

ClinVar aggregate classification (germline): Likely pathogenic (1 of 4 stars; one submission).

Conditions:
Wilson disease (WND). Also called: Wilson's disease. Identifiers: Orphanet 905, MedGen C0019202, MONDO:0010200, OMIM 277900. Disease mechanism: loss of function.

Submission:

Labcorp Genetics (formerly Invitae), Labcorp
Classification: Likely pathogenic for Wilson disease. Last evaluated: 2022-02-19. Review status: criteria provided, single submitter. Criteria: Invitae Variant Classification Sherloc (09022015). Collection method: clinical testing. Allele origin: germline.
Comment: This sequence change replaces arginine, which is basic and polar, with proline, which is neutral and non-polar, at codon 969 of the ATP7B protein (p.Arg969Pro). In summary, the currently available evidence indicates that the variant is pathogenic, but additional data are needed to prove that conclusively. Therefore, this variant has been classified as Likely Pathogenic. This variant disrupts the p.Arg969 amino acid residue in ATP7B. Other variant(s) that disrupt this residue have been determined to be pathogenic (PMID: 8533760, 20517649, 22308153). This suggests that this residue is clinically significant, and that variants that disrupt this residue are likely to be disease-causing. Advanced modeling of protein sequence and biophysical properties (such as structural, functional, and spatial information, amino acid conservation, physicochemical variation, residue mobility, and thermodynamic stability) performed at Invitae indicates that this missense variant is expected to disrupt ATP7B protein function. This missense change has been observed in individual(s) with clinical features of Wilson disease (Invitae). This variant is not present in population databases (gnomAD no frequency).

Literature cited by the submitters: PubMed 8533760; PubMed 20517649; PubMed 22308153.

NM_000053.4(ATP7B):c.2906G>C (p.Arg969Pro)

Gene: ATP7B (ATPase copper transporting beta; minus strand). Cytogenetic location: 13q14.3.
Variant type: single nucleotide variant.
Coding change: c.2906G>C on transcript NM_000053.4 (MANE Select); coding-DNA position 2906, G replaced by C.
Protein change: p.Arg969Pro; replaces arginine 969 with proline.
Molecular consequence: missense variant.
Genome position (GRCh38, 1-based): chr13:51,946,438, C>G on the plus strand (G>C on the coding strand, the complement: ATP7B is on the minus strand). VCF-style: chr13-51946438-C-G. GRCh37 (hg19) VCF-style: chr13-52520574-C-G.
Other names: c.2285G>C, p.Arg762Pro (NM_001005918.3); c.2573G>C, p.Arg858Pro (NM_001243182.2); c.2672G>C, p.Arg891Pro (NM_001330578.2); c.2654G>C, p.Arg885Pro (NM_001330579.2); short protein forms R762P, R969P, R885P, R891P, R858P.
Identifiers: ClinVar variation 1522643 (VCV001522643.6), dbSNP rs121907996, ClinGen allele CA388032453.